The following is an entry in ClinVar:

ClinVar aggregate classification (germline): Pathogenic/Likely pathogenic. Review status: criteria provided, multiple submitters, no conflicts (2 of 4 stars). 2 submissions from 2 submitters: Pathogenic (1); Likely pathogenic (1). Last evaluated 2024-03-01.

Conditions:
Autosomal recessive limb-girdle muscular dystrophy type 2J (LGMDR10). Also called: Limb-girdle muscular dystrophy, type 2J; MUSCULAR DYSTROPHY, LIMB-GIRDLE, AUTOSOMAL RECESSIVE 10. Identifiers: Orphanet 140922, MedGen C1837342, MONDO:0012127, OMIM 608807.
Dilated cardiomyopathy 1G (CMD1G). Identifiers: Orphanet 154, MedGen C1858763, MONDO:0011400, OMIM 604145.
Primary dilated cardiomyopathy (DCM). Also called: Dilated Cardiomyopathy. Identifiers: Orphanet 217604, MedGen C0007193, MeSH D002311, MONDO:0005021, HP:0001644. Inheritance: Various modes of inheritance.

Submissions (2):

Lildballe Lab, Aarhus University Hospital
Classification: Pathogenic for dilated cardiomyopathy. Last evaluated: 2024-03-01. Review status: criteria provided, single submitter. Criteria: ACMG Guidelines, 2015. Collection method: research. Allele origin: germline. Affected: yes.
Comment: PS4(m), PVS1(vs), PM2(sup)

Labcorp Genetics (formerly Invitae), Labcorp
Classification: Likely pathogenic for Dilated cardiomyopathy 1G; Autosomal recessive limb-girdle muscular dystrophy type 2J. Last evaluated: 2022-09-21. Review status: criteria provided, single submitter. Criteria: Invitae Variant Classification Sherloc (09022015). Collection method: clinical testing. Allele origin: germline.
Comment: In summary, the currently available evidence indicates that the variant is pathogenic, but additional data are needed to prove that conclusively. Therefore, this variant has been classified as Likely Pathogenic. This variant is located in the A band of TTN (PMID: 25589632). Truncating variants in this region are significantly overrepresented in patients affected with dilated cardiomyopathy (PMID: 25589632). Truncating variants in this region have also been reported in individuals affected with autosomal recessive centronuclear myopathy (PMID: 23975875). This variant is also known as c.23848C>T (p.Gln7950*). This sequence change creates a premature translational stop signal (p.Gln16823*) in the TTN gene. While this is not anticipated to result in nonsense mediated decay, it is expected to create a truncated TTN protein. This variant is not present in population databases (gnomAD no frequency). This premature translational stop signal has been observed in individual(s) with dilated cardiomyopathy (PMID: 25163546, 33019804).

Literature cited by the submitters: PubMed 25741920 (cited by Lildballe Lab, Aarhus University Hospital); PubMed 39481677 (cited by Lildballe Lab, Aarhus University Hospital); PubMed 25589632 (cited by Labcorp Genetics (formerly Invitae), Labcorp); PubMed 23975875 (cited by Labcorp Genetics (formerly Invitae), Labcorp); PubMed 25163546 (cited by Labcorp Genetics (formerly Invitae), Labcorp); PubMed 33019804 (cited by Labcorp Genetics (formerly Invitae), Labcorp).

NM_001267550.2(TTN):c.50467C>T (p.Gln16823Ter)

Genes: TTN (titin; minus strand), TTN-AS1 (TTN antisense RNA 1; plus strand). Cytogenetic location: 2q31.2.
Variant type: single nucleotide variant.
Coding change: c.50467C>T on transcript NM_001267550.2 (MANE Select); coding-DNA position 50467, C replaced by T.
Protein change: p.Gln16823Ter; replaces glutamine 16823 with a stop codon.
Molecular consequence: nonsense.
Genome position (GRCh38, 1-based): chr2:178,611,842, G>A on the plus strand (C>T on the coding strand, the complement: TTN is on the minus strand). VCF-style: chr2-178611842-G-A. GRCh37 (hg19) VCF-style: chr2-179476569-G-A.
Other names: c.45544C>T, p.Gln15182Ter (NM_001256850.1); c.23272C>T, p.Gln7758Ter (NM_003319.4); c.42763C>T, p.Gln14255Ter (NM_133378.4); c.23647C>T, p.Gln7883Ter (NM_133432.3); c.23848C>T, p.Gln7950Ter (NM_133437.4); short protein forms Q15182*, Q7950*, Q7883*, Q14255*, Q7758*, Q16823*.
Identifiers: ClinVar variation 2203223 (VCV002203223.5), dbSNP rs2470511151, ClinGen allele CA349595878.